The following is an entry in ClinVar:

ClinVar aggregate classification (germline): Uncertain significance. Review status: criteria provided, multiple submitters, no conflicts (2 of 4 stars). 2 submissions from 2 submitters: Uncertain significance (2). Last evaluated 2025-04-21.

Conditions:
Hyperkalemic periodic paralysis. Also called: Familial hyperkalemic periodic paralysis; Gamstorp disease. Identifiers: Orphanet 682, MedGen C0238357, MONDO:0008224, OMIM 170500, HP:0007215.

Allele frequency attached by ClinVar (database versions not stated): ExAC 0.00001; gnomAD 0.00001; gnomAD exomes 0.00001; TOPMed 0.00001.
gnomAD v4.1: 4 of 1,613,854 alleles (0.00025%); highest among the groups gnomAD compares: Admixed American, 0.0017%; no homozygotes.

Submissions (2):

Labcorp Genetics (formerly Invitae), Labcorp
Classification: Uncertain significance for Hyperkalemic periodic paralysis. Last evaluated: 2025-04-21. Review status: criteria provided, single submitter. Criteria: Invitae Variant Classification Sherloc (09022015). Collection method: clinical testing. Allele origin: germline.
Comment: This sequence change replaces valine, which is neutral and non-polar, with methionine, which is neutral and non-polar, at codon 1729 of the SCN4A protein (p.Val1729Met). This variant is present in population databases (rs749647150, gnomAD 0.003%). This variant has not been reported in the literature in individuals affected with SCN4A-related conditions. ClinVar contains an entry for this variant (Variation ID: 2763035). Invitae Evidence Modeling of protein sequence and biophysical properties (such as structural, functional, and spatial information, amino acid conservation, physicochemical variation, residue mobility, and thermodynamic stability) indicates that this missense variant is not expected to disrupt SCN4A protein function with a negative predictive value of 95%. In summary, the available evidence is currently insufficient to determine the role of this variant in disease. Therefore, it has been classified as a Variant of Uncertain Significance.

Blueprint Genetics
Classification: Uncertain significance. Last evaluated: 2021-05-31. Review status: criteria provided, single submitter. Criteria: ACMG Guidelines, 2015. Collection method: clinical testing. Allele origin: germline.

NM_000334.4(SCN4A):c.5185G>A (p.Val1729Met)

Genes: GH-LCR (growth hormone locus control region; plus strand), SCN4A (sodium voltage-gated channel alpha subunit 4; minus strand). Cytogenetic location: 17q23.3.
Variant type: single nucleotide variant.
Coding change: c.5185G>A on transcript NM_000334.4 (MANE Select); coding-DNA position 5185, G replaced by A.
Protein change: p.Val1729Met; replaces valine 1729 with methionine.
Molecular consequence: missense variant.
Genome position (GRCh38, 1-based): chr17:63,941,097, C>T on the plus strand (G>A on the coding strand, the complement: SCN4A is on the minus strand). VCF-style: chr17-63941097-C-T. GRCh37 (hg19) VCF-style: chr17-62018457-C-T.
Other names: short protein forms V1729M.
Identifiers: ClinVar variation 2763035 (VCV002763035.4), dbSNP rs749647150, ClinGen allele CA8708824.